The following is an entry in ClinVar:

ClinVar aggregate classification (germline): Likely pathogenic (1 of 4 stars; one submission).

Submission:

Dasa
Classification: Likely pathogenic. Last evaluated: 2025-06-23. Review status: criteria provided, single submitter. Criteria: DASA Assertion Criteria. Collection method: clinical testing. Allele origin: germline.
Comment: NM_006019.4(TCIRG1):c.2352del (p.Val785Trpfs*6) is a frameshift variant in TCIRG1 predicted to alter the reading frame and introduce a premature termination codon and is predicted to result in an absent or altered protein product. Loss of function is an established disease mechanism for TCIRG1-associated disorders. Also, this variant is absent from population databases. Based on the currently available evidence, this variant is classified as likely pathogenic.

NM_006019.4(TCIRG1):c.2352del (p.Val785fs)

Gene: TCIRG1 (T cell immune regulator 1, ATPase H+ transporting V0 subunit a3; plus strand). Cytogenetic location: 11q13.2.
Variant type: Deletion.
Coding change: c.2352del on transcript NM_006019.4 (MANE Select); coding-DNA position 2352, one base deleted (C; older notation c.2352delC).
Protein change: p.Val785fs; shifts the reading frame from valine 785.
Molecular consequence: frameshift variant. On other transcripts: intron variant (4).
Genome position (GRCh38, 1-based): chr11:68,050,602, C deleted; the last of 2 consecutive C bases (chr11:68,050,601-68,050,602); deleting either gives the same sequence. VCF-style (leftmost placement, unchanged base first): chr11-68050600-AC-A. GRCh37 (hg19) VCF-style: chr11-67818067-AC-A.
Other names: c.1458del, p.Val487fs (NM_001351059.2); c.2352del, p.Val785fs (NM_001440552.1, NM_001440553.1, NM_001440554.1); c.2310del, p.Val771fs (NM_001440555.1, NM_001440556.1); c.2139del, p.Val714fs (NM_001440559.1, NM_001440560.1, NM_001440561.1 and 1 more transcripts); c.2097del, p.Val700fs (NM_001440564.1); c.2052del, p.Val685fs (NM_001440565.1); c.1890del, p.Val631fs (NM_001440567.1); c.1884del, p.Val629fs (NM_001440568.1); and 5 more; short protein forms V465fs, V487fs, V569fs, V629fs, V631fs, V685fs, V700fs, V714fs.
Identifiers: ClinVar variation 4880575 (VCV004880575.2).